The following is an entry in ClinVar:

NM_052874.5(STX1B):c.281-41_294del

Gene: STX1B (syntaxin 1B; minus strand). Cytogenetic location: 16p11.2.
Variant type: Deletion.
Coding change: c.281-41_294del on transcript NM_052874.5 (MANE Select); 41 bases into the intron before coding-DNA position 281 through coding-DNA position 294, 55 bases deleted.
Molecular consequence: splice acceptor variant.
Genome position (GRCh38, 1-based): chr16:30,997,562-30,997,616, 55 bases deleted. GRCh37 (hg19): chr16:31,008,883-31,008,937.
Identifiers: ClinVar variation 960621 (VCV000960621.7), dbSNP rs2056602388, ClinGen allele CA1139664658.

ClinVar aggregate classification (germline): Likely pathogenic (1 of 4 stars; one submission).

Conditions:
Generalized epilepsy with febrile seizures plus, type 9 (GEFSP9). Also called: GEFS+, TYPE 9. Identifiers: Orphanet 36387, MedGen C4015395, MONDO:0014517, OMIM 616172.

Submission:

Labcorp Genetics (formerly Invitae), Labcorp
Classification: Likely pathogenic for Generalized epilepsy with febrile seizures plus, type 9. Last evaluated: 2019-09-22. Review status: criteria provided, single submitter. Criteria: Invitae Variant Classification Sherloc (09022015). Collection method: clinical testing. Allele origin: germline.
Comment: Loss-of-function variants in STX1B are known to be pathogenic (PMID: 25362483). Algorithms developed to predict the effect of sequence changes on RNA splicing suggest that this variant may disrupt the consensus splice site, but this prediction has not been confirmed by published transcriptional studies. This variant has not been reported in the literature in individuals with STX1B-related conditions. This variant is not present in population databases (ExAC no frequency). This variant is a deletion of the genomic region encompassing part of exon 5 (c.281-41_294del) of the STX1B gene. It is expected to disrupt RNA splicing and likely results in an absent or disrupted protein product. In summary, the currently available evidence indicates that the variant is pathogenic, but additional data are needed to prove that conclusively. Therefore, this variant has been classified as Likely Pathogenic.

Literature cited by the submitters: PubMed 25362483.